The following is an entry in ClinVar:

NM_000548.5(TSC2):c.714_717dup (p.Ile240fs)

Gene: TSC2 (TSC complex subunit 2; plus strand). Cytogenetic location: 16p13.3.
Variant type: Duplication.
Coding change: c.714_717dup on transcript NM_000548.5 (MANE Select); coding-DNA positions 714 to 717, 4 bases duplicated (GTTC; older notation c.714_717dupGTTC).
Protein change: p.Ile240fs; shifts the reading frame from isoleucine 240.
Molecular consequence: frameshift variant. On other transcripts: 5 prime UTR variant (10), non-coding transcript variant (5).
Genome position (GRCh38, 1-based): chr16:2,056,709-2,056,712, GTTC duplicated. VCF-style (leftmost placement, unchanged base first): chr16-2056708-T-TGTTC. GRCh37 (hg19) VCF-style: chr16-2106709-T-TGTTC.
Other names: c.702_705dup, p.Ile236fs (NM_001406671.1, NM_001406673.1); c.567_570dup, p.Ile191fs (NM_001406675.1, NM_001406676.1, NM_001406679.1 and 1 more transcripts); c.657_660dup, p.Ile221fs (NM_001406677.1); c.603_606dup, p.Ile203fs (NM_001406678.1, NM_001318827.2, NM_001406670.1); c.114_117dup, p.Ile40fs (NM_001406680.1, NM_001406682.1, NM_001406683.1 and 6 more transcripts); c.252_255dup, p.Ile86fs (NM_001406681.1); c.-718_-715dup (NM_001406689.1, NM_001406690.1, NM_001406691.1 and 4 more transcripts); c.-599_-596dup (NM_001406694.1, NM_001406695.1); and 4 more; short protein forms I240fs, I40fs, I203fs, I191fs, I221fs, I236fs, I251fs, I86fs.
Identifiers: ClinVar variation 3663367 (VCV003663367.2).

ClinVar aggregate classification (germline): Pathogenic (1 of 4 stars; one submission).

Conditions:
Tuberous sclerosis 2 (TSC2). Identifiers: Orphanet 805, MedGen C1860707, MONDO:0013199, OMIM 613254.

Submission:

Labcorp Genetics (formerly Invitae), Labcorp
Classification: Pathogenic for Tuberous sclerosis 2. Last evaluated: 2025-01-14. Review status: criteria provided, single submitter. Criteria: Invitae Variant Classification Sherloc (09022015). Collection method: clinical testing. Allele origin: germline.
Comment: This sequence change creates a premature translational stop signal (p.Ile240Valfs*99) in the TSC2 gene. It is expected to result in an absent or disrupted protein product. Loss-of-function variants in TSC2 are known to be pathogenic (PMID: 10205261, 17304050). This variant is not present in population databases (gnomAD no frequency). This variant has not been reported in the literature in individuals affected with TSC2-related conditions. For these reasons, this variant has been classified as Pathogenic.

Literature cited by the submitters: PubMed 10205261; PubMed 17304050.